The following is an entry in ClinVar:

NM_000548.5(TSC2):c.4909AAG[1] (p.Lys1638del)

Gene: TSC2 (TSC complex subunit 2; plus strand). Cytogenetic location: 16p13.3.
Variant type: Microsatellite.
Coding change: c.4909AAG[1] on transcript NM_000548.5 (MANE Select); one copy of the 3-base unit AAG starting at c.4909; the reference has two copies in a row; one copy, 3 bases deleted; also written c.4912_4914del.
Protein change: p.Lys1638del; deletes lysine 1638.
Molecular consequence: inframe deletion.
Genome position (GRCh38, 1-based): chr16:2,086,794-2,086,796, AAG deleted; deleting any 3 consecutive bases within chr16:2,086,791-2,086,796 gives the same sequence; the position shown is the placement nearest the transcript's 3' end. VCF-style (leftmost placement, unchanged base first): chr16-2086790-CAAG-C. GRCh37 (hg19) VCF-style: chr16-2136791-CAAG-C.
Other names: c.4912_4914delAAG (NM_000548.3); c.4708AAG[1], p.Lys1571del (NM_001077183.3); c.4840AAG[1], p.Lys1615del (NM_001114382.3); c.4600AAG[1], p.Lys1535del (NM_001318827.2); c.4564AAG[1], p.Lys1523del (NM_001318829.2); c.4177AAG[1], p.Lys1394del (NM_001318831.2); c.4741AAG[1], p.Lys1582del (NM_001318832.2); c.4711AAG[1], p.Lys1572del (NM_001363528.2); and 3 more; short protein forms K1638del, K1523del, K1571del, K1572del, K1582del, K1615del, K1394del, K1594del.
Identifiers: ClinVar variation 49893 (VCV000049893.50), dbSNP rs137854261, ClinGen allele CA021227.

ClinVar aggregate classification (germline): Pathogenic/Likely pathogenic. Review status: criteria provided, multiple submitters, no conflicts (2 of 4 stars). 9 submissions from 8 submitters: Pathogenic (6); Likely pathogenic (1). 2 of the submissions do not count toward it. Last evaluated 2025-11-19.

Conditions:
Hereditary cancer-predisposing syndrome. Also called: Hereditary Cancer Syndrome; Tumor predisposition; Neoplastic Syndromes, Hereditary; Hereditary neoplastic syndrome. Identifiers: Orphanet 140162, MedGen C0027672, MeSH D009386, MONDO:0015356.
Tuberous sclerosis syndrome (TSC). Also called: Tuberous Sclerosis Complex; Tuberous sclerosis. Identifiers: Orphanet 805, MedGen C0041341, MONDO:0001734.
Tuberous sclerosis 2 (TSC2). Identifiers: Orphanet 805, MedGen C1860707, MONDO:0013199, OMIM 613254.

Submissions (9):

Cambridge Genomics Laboratory, East Genomic Laboratory Hub, NHS Genomic Medicine Service
Classification: Pathogenic for Tuberous sclerosis. Last evaluated: 2025-11-19. Review status: criteria provided, single submitter. Criteria: ACGS Best Practice Guidelines for Variant Classification in Rare Disease 2020. Collection method: clinical testing. Allele origin: germline. Affected: yes.
Comment: PS2,PS4_Moderate,PM2,PM4_Supporting,PP4

Ambry Genetics
Classification: Pathogenic for Hereditary cancer-predisposing syndrome. Last evaluated: 2025-07-15. Review status: criteria provided, single submitter. Criteria: Ambry Variant Classification Scheme 2023. Collection method: clinical testing. Allele origin: germline.
Comment: The c.4912_4914delAAG pathogenic mutation (also known as p.K1638del) is located in coding exon 37 of the TSC2 gene, results from an in-frame AAG deletion at nucleotide positions 4912 to 4914. This results in the in-frame deletion of a lysine at codon 1638. This variant, also described as c.4909_4011delAAG and c.4911_4913delGAA, was reported in individual(s) with features consistent with Tuberous Sclerosis Complex (Au KS et al. Genet Med. 2007 Feb;9:88-100; Qin W et al. Hum Genet. 2010 Mar;127:573-82; van Eeghen AM et al. Epilepsy Res. 2013 Jan;103:83-7; He J et al. Genet Test Mol Biomarkers. 2020 Jan;24:1-5; Ng SY et al. Eur J Med Genet. 2022 Oct;65:104573; Milon V et al. Eur J Hum Genet. 2024 Dec;32:1590-1598). This amino acid position is highly conserved in available vertebrate species. In addition, this variant is predicted to be deleterious by in silico analysis (Choi Y et al. PLoS ONE. 2012; 7(10):e46688).This variant is considered to be rare based on population cohorts in the Genome Aggregation Database (gnomAD). Based on the supporting evidence, this variant is interpreted as a disease-causing mutation.

Labcorp Genetics (formerly Invitae), Labcorp
Classification: Pathogenic for Tuberous sclerosis 2. Last evaluated: 2025-06-01. Review status: criteria provided, single submitter. Criteria: Invitae Variant Classification Sherloc (09022015). Collection method: clinical testing. Allele origin: germline.
Comment: This variant, c.4912_4914del, results in the deletion of 1 amino acid(s) of the TSC2 protein (p.Lys1638del), but otherwise preserves the integrity of the reading frame. This variant is not present in population databases (gnomAD no frequency). This variant has been observed in individual(s) with tuberous sclerosis complex (PMID: 17304050, 20165957, 21520333, 22867869). In at least one individual the variant was observed to be de novo. Invitae Evidence Modeling of clinical and family history, age, sex, and reported ancestry of multiple individuals with this TSC2 variant has been performed. This variant is expected to be pathogenic with a positive predictive value of at least 99%. This is a validated machine learning model that incorporates the clinical features of 1,224,362 individuals referred to our laboratory for TSC2 testing. This variant is also known as c.4909_4911delAAG. Experimental studies and prediction algorithms are not available or were not evaluated, and the functional significance of this variant is currently unknown. For these reasons, this variant has been classified as Pathogenic.

CeGaT Center for Human Genetics Tuebingen
Classification: Pathogenic. Last evaluated: 2021-07-01. Review status: criteria provided, single submitter. Criteria: CeGaT Center For Human Genetics Tuebingen Variant Classification Criteria Version 2. Collection method: clinical testing. Allele origin: germline. Affected: yes. Observed: 1 variant allele.

GeneDx
Classification: Pathogenic. Last evaluated: 2020-08-17. Review status: criteria provided, single submitter. Criteria: GeneDx Variant Classification Process June 2021. Collection method: clinical testing. Allele origin: germline. Affected: yes.
Comment: Reported multiple times as a pathogenic variant is association with tuberous sclerosis complex (Au et al., 2007, Qin et al, 2010, vanEeghen et al., 2013; TSC2 LOVD); Not observed in large population cohorts (Lek et al., 2016); In-frame deletion of 1 amino acid in a non-repeat region; In silico analysis supports a deleterious effect on protein structure/function; This variant is associated with the following publications: (PMID: 32555378, 22867869, 20165957, 17304050, 31855466)

Division of Genomic Medicine, Department of Advanced Medicine, Medical Research Institute, Kanazawa Medical University
Classification: Likely pathogenic for Tuberous sclerosis 2. Last evaluated: 2020-07-10. Review status: criteria provided, single submitter. Criteria: ACMG Guidelines, 2015. Collection method: clinical testing. Allele origin: germline. Affected: yes. Observed: 3 variant alleles.

Athena Diagnostics
Classification: Pathogenic. Last evaluated: 2014-11-20. Review status: criteria provided, single submitter. Criteria: Athena Diagnostics Criteria. Collection method: clinical testing. Allele origin: unknown.
Comment: Not found in the total gnomAD dataset. Found in multiple de novo cases.

Tuberous sclerosis database (TSC2)
No classification provided. Condition: TSC. Review status: no classification provided. Criteria: Tuberous Sclerosis Database Assertion Criteria 2015. Collection method: curation. Allele origin: germline. Affected: yes. Not counted in ClinVar's aggregate classification.

Tuberous sclerosis database (TSC2)
No classification provided. Condition: TSC. Review status: flagged submission. Criteria: Tuberous Sclerosis Database Assertion Criteria 2015. Collection method: curation. Allele origin: germline. Affected: yes. Not counted in ClinVar's aggregate classification.
ClinVar note: Reason: This record appears to be redundant with a more recent record from the same submitter.
ClinVar note: Notes: SCV000066507 appears to be redundant with SCV000066958.

Literature cited by the submitters: PubMed 17304050 (cited by Ambry Genetics and Labcorp Genetics (formerly Invitae), Labcorp); PubMed 20165957 (cited by 3 submitters); PubMed 22867869 (cited by 3 submitters); PubMed 31855466 (cited by Ambry Genetics); PubMed 35918040 (cited by Ambry Genetics); PubMed 38806662 (cited by Ambry Genetics); PubMed 21520333 (cited by Labcorp Genetics (formerly Invitae), Labcorp).